The following is an entry in ClinVar:

NM_173500.4(TTBK2):c.*583A>T

Gene: TTBK2 (tau tubulin kinase 2; minus strand). Cytogenetic location: 15q15.2.
Variant type: single nucleotide variant.
Coding change: c.*583A>T on transcript NM_173500.4 (MANE Select); 583 bases downstream of the stop codon, A replaced by T.
Molecular consequence: 3 prime UTR variant.
Genome position (GRCh38, 1-based): chr15:42,745,212, T>A on the plus strand (A>T on the coding strand, the complement: TTBK2 is on the minus strand). VCF-style: chr15-42745212-T-A. GRCh37 (hg19) VCF-style: chr15-43037410-T-A.
Other names: NC_000015.9:g.43037410T>A.
Identifiers: ClinVar variation 315969 (VCV000315969.7), dbSNP rs116853892, ClinGen allele CA10636001.

ClinVar aggregate classification (germline): Likely benign. Review status: criteria provided, multiple submitters, no conflicts (2 of 4 stars). 2 submissions from 2 submitters: Likely benign (2). Last evaluated 2017-04-27.

Conditions:
Spinocerebellar ataxia type 11 (SCA11). Identifiers: Orphanet 98767, MedGen C1858351, MONDO:0011464, OMIM 604432.

Allele frequency attached by ClinVar (database versions not stated): gnomAD 0.02725 and 0.03078; TOPMed 0.03096; gnomAD exomes 0.03853; 1000 Genomes Project 30x 0.05059; 1000 Genomes Project 0.05571.
gnomAD v4.1: 4,842 of 156,920 alleles (3.1%); highest among the groups gnomAD compares: South Asian, 9.9%; 115 homozygotes.

Submissions (3):

Illumina Laboratory Services, Illumina
Classification: Likely benign for Spinocerebellar ataxia type 11. Last evaluated: 2017-04-27. Review status: criteria provided, single submitter. Criteria: ICSL Variant Classification Criteria 13 December 2019. Collection method: clinical testing. Allele origin: germline.
Comment: This variant was observed as part of a predisposition screen in an ostensibly healthy population. A literature search was performed for the gene, cDNA change, and amino acid change (where applicable). No publications were found based on this search. Allele frequency data from public databases allowed determination this variant is unlikely to cause disease. Therefore, this variant is classified as likely benign.

Breakthrough Genomics
Classification: Likely benign. Review status: criteria provided, single submitter. Criteria: ACMG Guidelines, 2015. Collection method: not provided. Allele origin: germline. Inheritance: Autosomal dominant inheritance. Affected: yes.

Dr. Peter K. Rogan Lab, Western University
No classification provided (evidence only). Condition: Acute myeloid leukemia. Review status: no classification provided. Collection method: in vitro. Allele origin: not applicable. Functional consequence: retained intron. Not counted in ClinVar's aggregate classification.